The following is an entry in ClinVar:

ClinVar aggregate classification (germline): Uncertain significance. Review status: criteria provided, multiple submitters, no conflicts (2 of 4 stars). 2 submissions from 2 submitters: Uncertain significance (2). Last evaluated 2025-06-18.

Conditions:
Inborn genetic diseases. Identifiers: MedGen C0950123, MeSH D030342.

Submissions (2):

Ambry Genetics
Classification: Uncertain significance for Inborn genetic diseases. Last evaluated: 2025-06-18. Review status: criteria provided, single submitter. Criteria: Ambry Variant Classification Scheme 2023. Collection method: clinical testing. Allele origin: germline.

Labcorp Genetics (formerly Invitae), Labcorp
Classification: Uncertain significance. Last evaluated: 2024-11-26. Review status: criteria provided, single submitter. Criteria: Invitae Variant Classification Sherloc (09022015). Collection method: clinical testing. Allele origin: germline.
Comment: This sequence change replaces proline, which is neutral and non-polar, with leucine, which is neutral and non-polar, at codon 168 of the ANXA11 protein (p.Pro168Leu). The frequency data for this variant in the population databases is considered unreliable, as metrics indicate poor data quality at this position in the gnomAD database. This variant has not been reported in the literature in individuals affected with ANXA11-related conditions. An algorithm developed to predict the effect of missense changes on protein structure and function (PolyPhen-2) suggests that this variant is likely to be disruptive. In summary, the available evidence is currently insufficient to determine the role of this variant in disease. Therefore, it has been classified as a Variant of Uncertain Significance.

NM_145868.2(ANXA11):c.503C>T (p.Pro168Leu)

Gene: ANXA11 (annexin A11; minus strand). Cytogenetic location: 10q22.3.
Variant type: single nucleotide variant.
Coding change: c.503C>T on transcript NM_145868.2 (MANE Select); coding-DNA position 503, C replaced by T.
Protein change: p.Pro168Leu; replaces proline 168 with leucine.
Molecular consequence: missense variant.
Genome position (GRCh38, 1-based): chr10:80,169,027, G>A on the plus strand (C>T on the coding strand, the complement: ANXA11 is on the minus strand). VCF-style: chr10-80169027-G-A. GRCh37 (hg19) VCF-style: chr10-81928783-G-A.
Other names: c.503C>T (NM_001157.2); c.503C>T, p.Pro168Leu (NM_001157.3, NM_001278407.2, NM_001278408.2 and 1 more transcripts); c.404C>T, p.Pro135Leu (NM_001278409.2); short protein forms P135L, P168L.
Identifiers: ClinVar variation 3621061 (VCV003621061.3).